The following is an entry in ClinVar:

NM_001353345.2(SETD1B):c.1023G>A (p.Gly341=)

Gene: SETD1B (SET domain containing 1B, histone lysine methyltransferase; plus strand). Cytogenetic location: 12q24.31.
Variant type: single nucleotide variant.
Coding change: c.1023G>A on transcript NM_001353345.2 (MANE Select); coding-DNA position 1023, G replaced by A.
Protein change: p.Gly341=; no amino-acid change (glycine 341 retained).
Molecular consequence: synonymous variant.
Genome position (GRCh38, 1-based): chr12:121,809,968, G>A. VCF-style: chr12-121809968-G-A. GRCh37 (hg19) VCF-style: chr12-122247874-G-A.
Identifiers: ClinVar variation 2643422 (VCV002643422.25), dbSNP rs558774327, ClinGen allele CA6838820.

ClinVar aggregate classification (germline): Likely benign. Review status: criteria provided, multiple submitters, no conflicts (2 of 4 stars). 2 submissions from 2 submitters: Likely benign (2). Last evaluated 2026-02-01.

Allele frequency attached by ClinVar (database versions not stated): 1000 Genomes Project 30x 0.00016; gnomAD 0.00029; ExAC 0.00030; TOPMed 0.00031; gnomAD exomes 0.00067.

Submissions (2):

CeGaT Center for Human Genetics Tuebingen
Classification: Likely benign. Last evaluated: 2026-02-01. Review status: criteria provided, single submitter. Criteria: CeGaT Center For Human Genetics Tuebingen Variant Classification Criteria Version 2. Collection method: clinical testing. Allele origin: germline. Affected: yes. Observed: 2 variant alleles.
Comment: SETD1B: BP4, BP7

Blueprint Genetics
Classification: Likely benign. Last evaluated: 2024-11-14. Review status: criteria provided, single submitter. Criteria: ACMG Guidelines, 2015. Collection method: clinical testing. Allele origin: germline.